The following is an entry in ClinVar:

NM_001009944.3(PKD1):c.10486del (p.Leu3496fs)

Gene: PKD1 (polycystin 1, transient receptor potential channel interacting; minus strand). Cytogenetic location: 16p13.3.
Variant type: Deletion.
Coding change: c.10486del on transcript NM_001009944.3 (MANE Select); coding-DNA position 10486, one base deleted (C; older notation c.10486delC).
Protein change: p.Leu3496fs; shifts the reading frame from leucine 3496.
Molecular consequence: frameshift variant.
Genome position (GRCh38, 1-based): chr16:2,097,161, G deleted on the plus strand (C on the coding strand, the reverse complement: PKD1 is on the minus strand); the first of 2 consecutive G bases (chr16:2,097,161-2,097,162); deleting either gives the same sequence. VCF-style (leftmost placement, unchanged base first): chr16-2097160-AG-A. GRCh37 (hg19) VCF-style: chr16-2147161-AG-A.
Other names: c.10483del, p.Leu3495fs (NM_000296.4); short protein forms L3495fs, L3496fs.
Identifiers: ClinVar variation 5018871 (VCV005018871.1).

ClinVar aggregate classification (germline): Pathogenic (1 of 4 stars; one submission).

Conditions:
Polycystic kidney disease, adult type (PKD1). Also called: Polycystic Kidney, Autosomal Dominant; POLYCYSTIC KIDNEY DISEASE, ADULT, TYPE I; Polycystic Kidney Disease 1, Autosomal Dominant; Polycystic kidney disease 1; Polycystic kidney disease 1, severe; POLYCYSTIC KIDNEY DISEASE 1 WITH OR WITHOUT POLYCYSTIC LIVER DISEASE. Identifiers: MedGen C3149841, MONDO:0008263, OMIM 173900.

Submission:

Juno Genomics, Hangzhou Juno Genomics, Inc
Classification: Pathogenic for Polycystic kidney disease, adult type. Review status: criteria provided, single submitter. Criteria: ACMG Guidelines, 2015. Collection method: clinical testing. Allele origin: germline. Affected: yes.
Comment: Absent from controls (or at extremely low frequency if recessive) in Genome Aggregation Database.;Null variant in a gene where loss of function (LOF) is a known mechanism of disease.;Patient's phenotype or family history is highly specific for a disease with a single genetic etiology.